The following is an entry in ClinVar:

NM_032888.4(COL27A1):c.1064C>A (p.Pro355Gln)

Gene: COL27A1 (collagen type XXVII alpha 1 chain; plus strand). Cytogenetic location: 9q32.
Variant type: single nucleotide variant.
Coding change: c.1064C>A on transcript NM_032888.4 (MANE Select); coding-DNA position 1064, C replaced by A.
Protein change: p.Pro355Gln; replaces proline 355 with glutamine.
Molecular consequence: missense variant.
Genome position (GRCh38, 1-based): chr9:114,168,619, C>A. VCF-style: chr9-114168619-C-A. GRCh37 (hg19) VCF-style: chr9-116930899-C-A.
Other names: short protein forms P355Q.
Identifiers: ClinVar variation 1990767 (VCV001990767.4), dbSNP rs2490564561, ClinGen allele CA374593274.

ClinVar aggregate classification (germline): Uncertain significance (1 of 4 stars; one submission).

Allele frequency attached by ClinVar (database versions not stated): gnomAD exomes below 0.00001.
gnomAD v4.1: 2 of 1,614,210 alleles (0.00012%); highest among the groups gnomAD compares: South Asian, 0.0022%; no homozygotes.

Submission:

Labcorp Genetics (formerly Invitae), Labcorp
Classification: Uncertain significance. Last evaluated: 2025-02-24. Review status: criteria provided, single submitter. Criteria: Invitae Variant Classification Sherloc (09022015). Collection method: clinical testing. Allele origin: germline.
Comment: This sequence change replaces proline, which is neutral and non-polar, with glutamine, which is neutral and polar, at codon 355 of the COL27A1 protein (p.Pro355Gln). This variant is not present in population databases (gnomAD no frequency). This variant has not been reported in the literature in individuals affected with COL27A1-related conditions. ClinVar contains an entry for this variant (Variation ID: 1990767). Invitae Evidence Modeling of protein sequence and biophysical properties (such as structural, functional, and spatial information, amino acid conservation, physicochemical variation, residue mobility, and thermodynamic stability) indicates that this missense variant is not expected to disrupt COL27A1 protein function with a negative predictive value of 95%. In summary, the available evidence is currently insufficient to determine the role of this variant in disease. Therefore, it has been classified as a Variant of Uncertain Significance.